The following is an entry in ClinVar:

NM_001365276.2(TNXB):c.10723T>C (p.Ser3575Pro)

Genes: TNXB (tenascin XB; minus strand), LOC106780803 (tenascin XB recombination region; plus strand). Cytogenetic location: 6p21.33.
Variant type: single nucleotide variant.
Coding change: c.10723T>C on transcript NM_001365276.2 (MANE Select); coding-DNA position 10723, T replaced by C.
Protein change: p.Ser3575Pro; replaces serine 3575 with proline.
Molecular consequence: missense variant.
Genome position (GRCh38, 1-based): chr6:32,045,210, A>G on the plus strand (T>C on the coding strand, the complement: TNXB is on the minus strand). VCF-style: chr6-32045210-A-G. GRCh37 (hg19) VCF-style: chr6-32012987-A-G.
Other names: c.10717T>C, p.Ser3573Pro (NM_019105.8); c.10T>C, p.Ser4Pro (NM_032470.4); short protein forms S3573P, S4P, S3575P.
Identifiers: ClinVar variation 403558 (VCV000403558.9), dbSNP rs62402693, ClinGen allele CA3733164.

ClinVar aggregate classification (germline): Benign/Likely benign. Review status: criteria provided, multiple submitters, no conflicts (2 of 4 stars). 4 submissions from 4 submitters: Benign (3); Likely benign (1). Last evaluated 2024-11-27.

Allele frequency attached by ClinVar (database versions not stated): gnomAD exomes 0.11375 and 0.11736; ExAC 0.13907; gnomAD 0.14910 and 0.15045; 1000 Genomes Project 30x 0.17864.
gnomAD v4.1: 187,661 of 1,553,184 alleles (12%); highest among the groups gnomAD compares: African/African-American, 26%; 1 homozygote.

Submissions (4):

Blueprint Genetics
Classification: Likely benign. Last evaluated: 2024-11-27. Review status: criteria provided, single submitter. Criteria: ACMG Guidelines, 2015. Collection method: clinical testing. Allele origin: germline.

Mayo Clinic Laboratories, Mayo Clinic
Classification: Benign. Last evaluated: 2022-03-17. Review status: criteria provided, single submitter. Criteria: ACMG Guidelines, 2015. Collection method: clinical testing. Allele origin: germline. Observed: 794 variant alleles.
Comment: BA1

GeneDx
Classification: Benign. Last evaluated: 2018-07-09. Review status: criteria provided, single submitter. Criteria: GeneDx Variant Classification Process June 2021. Collection method: clinical testing. Allele origin: germline. Affected: yes.

Laboratory for Molecular Medicine, Mass General Brigham Personalized Medicine
Classification: Benign. Last evaluated: 2016-03-29. Review status: criteria provided, single submitter. Criteria: LMM Criteria. Collection method: clinical testing. Allele origin: germline.
Comment: Variant identified in a genome or exome case(s) and assessed due to predicted null impact of the variant or pathogenic assertions in the literature or databases. Disclaimer: This variant has not undergone full assessment. The following are preliminary notes: Frequency